The following is an entry in ClinVar:

ClinVar aggregate classification (germline): Likely pathogenic (3 of 4 stars; one submission).

Conditions:
RPGR-related retinopathy. Also called: RPGR retinopathy. Identifiers: MedGen CN305589, MONDO:0100437.

Submission:

ClinGen X-linked Inherited Retinal Disease Variant Curation Expert Panel, ClinGen
Classification: Likely pathogenic for RPGR-related retinopathy. Last evaluated: 2026-01-25. Review status: reviewed by expert panel. Criteria: ClinGen X LinkedIRD ACMG Specifications RPGR V1.0.0. Collection method: curation. Allele origin: germline. Inheritance: X-linked inheritance.
Comment: NM_001034853.2(RPGR):c.1070G>A (p.Gly357Asp) is a missense variant encoding the substitution of glycine with aspartic acid at amino acid 357. This variant is absent from hemizygous individuals in gnomAD v4.1.0 (PM2_Supporting). At least one proband harboring this variant exhibits a phenotype including family history consistent with X-linked inheritance (2 pts), first decade onset (1 pt), night blindness (0.5 pt), pigmentary retinopathy (0.5 pt), decreased central vision acuity (0.5 pt), and visual field constriction (0.5 pt), which together are specific for RPGR-related retinopathy (5 points, PMID: 31645972, PP4). This variant has been reported in at least 1 proband meeting one of the PS4 requirements of a male with some functional vision impairment by age 30 years and/or decreased or absent electroretinogram responses, as well as a second apparently unrelated proband previously used for the PP4 code (PMID: 36832217, PMID: 31645972; PS4_Supporting). The variant has been reported to segregate with retinal dystrophy through an affected mother and son (PP1; PMID: 31645972). The computational predictor REVEL gives a score of 0.982, which is above the ClinGen X-linked IRD VCEP threshold of >0.932 and predicts a damaging effect on RPGR function (PP3_Strong). The computational splicing predictor SpliceAI gives a delta score of 0.04 for donor gain, which is below the ClinGen Xlinked IRD VCEP threshold of >0.2 and does not predict that the variant disrupts RPGR splicing. In summary, this variant is classified as likely pathogenic for RPGR-related retinopathy based on the ClinGen X-linked Inherited Retinal Disease Expert Panel Specifications to the ACMG/AMP Variant Interpretation Guidelines for RPGR Version 1.0.0; PM2_Supporting, PP3_Strong, PP4, PS4_Supporting, and PP1.

NM_001034853.2(RPGR):c.1070G>A (p.Gly357Asp)

Gene: RPGR (retinitis pigmentosa GTPase regulator; minus strand).
Variant type: single nucleotide variant.
Coding change: c.1070G>A on transcript NM_001034853.2 (MANE Select); coding-DNA position 1070, G replaced by A.
Protein change: p.Gly357Asp; replaces glycine 357 with aspartic acid.
Molecular consequence: missense variant. On other transcripts: non-coding transcript variant (6), intron variant (2).
Other names: NM_001034853.2:c.1070G>A; c.1070G>A, p.Gly357Asp (NM_000328.3, NM_001367247.1); c.1067G>A, p.Gly356Asp (NM_001367245.1, NM_001367249.1, NM_001367250.1); c.1100G>A, p.Gly367Asp (NM_001367248.1); c.1060-1679G>A (NM_001367251.1, NM_001367246.1); short protein forms G356D, G357D, G367D.
Identifiers: ClinVar variation 4686675 (VCV004686675.1).